The following is an entry in ClinVar:

NM_000482.4(APOA4):c.1054A>T (p.Asn352Tyr)

Gene: APOA4 (apolipoprotein A4; minus strand). Cytogenetic location: 11q23.3.
Variant type: single nucleotide variant.
Coding change: c.1054A>T on transcript NM_000482.4 (MANE Select); coding-DNA position 1054, A replaced by T.
Protein change: p.Asn352Tyr; replaces asparagine 352 with tyrosine.
Molecular consequence: missense variant.
Genome position (GRCh38, 1-based): chr11:116,821,004, T>A on the plus strand (A>T on the coding strand, the complement: APOA4 is on the minus strand). VCF-style: chr11-116821004-T-A. GRCh37 (hg19) VCF-style: chr11-116691720-T-A.
Other names: short protein forms N352Y.
Identifiers: ClinVar variation 2727813 (VCV002727813.3), dbSNP rs147577451, ClinGen allele CA6289250.

ClinVar aggregate classification (germline): Uncertain significance (1 of 4 stars; one submission).

Allele frequency attached by ClinVar (database versions not stated): ESP Exome Variant Server 0.00023; gnomAD exomes 0.00039; TOPMed 0.00028; ExAC 0.00032; gnomAD 0.00035.

Submission:

Labcorp Genetics (formerly Invitae), Labcorp
Classification: Uncertain significance. Last evaluated: 2025-12-16. Review status: criteria provided, single submitter. Criteria: Invitae Variant Classification Sherloc (09022015). Collection method: clinical testing. Allele origin: germline.
Comment: This sequence change replaces asparagine, which is neutral and polar, with tyrosine, which is neutral and polar, at codon 352 of the APOA4 protein (p.Asn352Tyr). This variant is present in population databases (rs147577451, gnomAD 0.2%), and has an allele count higher than expected for a pathogenic variant. This variant has not been reported in the literature in individuals affected with APOA4-related conditions. ClinVar contains an entry for this variant (Variation ID: 2727813). Invitae Evidence Modeling of protein sequence and biophysical properties (such as structural, functional, and spatial information, amino acid conservation, physicochemical variation, residue mobility, and thermodynamic stability) has been performed for this missense variant. However, the output from this modeling did not meet the statistical confidence thresholds required to predict the impact of this variant on APOA4 protein function. In summary, the available evidence is currently insufficient to determine the role of this variant in disease. Therefore, it has been classified as a Variant of Uncertain Significance.